The following is an entry in ClinVar:

NM_001379081.2(FREM1):c.2274C>A (p.Gly758=)

Gene: FREM1 (FRAS1 related extracellular matrix 1; minus strand). Cytogenetic location: 9p22.3.
Variant type: single nucleotide variant.
Coding change: c.2274C>A on transcript NM_001379081.2 (MANE Select); coding-DNA position 2274, C replaced by A.
Protein change: p.Gly758=; no amino-acid change (glycine 758 retained).
Molecular consequence: synonymous variant. On other transcripts: non-coding transcript variant (2).
Genome position (GRCh38, 1-based): chr9:14,823,223, G>T on the plus strand (C>A on the coding strand, the complement: FREM1 is on the minus strand). VCF-style: chr9-14823223-G-T. GRCh37 (hg19) VCF-style: chr9-14823221-G-T.
Other names: c.2274C>A, p.Gly758= (NM_144966.7).
Identifiers: ClinVar variation 194440 (VCV000194440.21), dbSNP rs12235714, ClinGen allele CA201186.
Genomic context (GRCh38, chr9:14,823,223, plus strand): 5'-AGGAACTTGATTGTCCACTGGGAGGATTGTAATGTTAAAGCAGATCCCATGCAAAGTACC[G>T]CCATGTTGGTTACTGACAGAAAATGTGAACTGGACATCTCTGCAATGGGGACCAATGTCT-3'
Protein context (NP_001366010.1, residues 748-768): QFTFSVSNQH[Gly758=]GTLHGICFNI

ClinVar aggregate classification (germline): Benign. Review status: criteria provided, multiple submitters, no conflicts (2 of 4 stars). 5 submissions from 5 submitters: Benign (5). Last evaluated 2026-02-01.

Conditions:
Oculotrichoanal syndrome (MOTA). Also called: MARLES SYNDROME; Manitoba Oculotrichoanal (MOTA) Syndrome. Identifiers: Orphanet 2717, MedGen C1855425, MONDO:0009560, OMIM 248450.

Allele frequency attached by ClinVar (database versions not stated): ESP Exome Variant Server 0.00017; gnomAD 0.00497; TOPMed 0.00517; 1000 Genomes Project 30x 0.01140; 1000 Genomes Project 0.01198.
gnomAD v4.1: 3,736 of 1,613,760 alleles (0.23%); highest among the groups gnomAD compares: East Asian, 4.7%; 75 homozygotes.

Submissions (8):

Labcorp Genetics (formerly Invitae), Labcorp
Classification: Benign. Last evaluated: 2026-02-01. Review status: criteria provided, single submitter. Criteria: Invitae Variant Classification Sherloc (09022015). Collection method: clinical testing. Allele origin: germline.

GeneDx
Classification: Benign. Last evaluated: 2021-05-05. Review status: criteria provided, single submitter. Criteria: GeneDx Variant Classification Process June 2021. Collection method: clinical testing. Allele origin: germline. Affected: yes.

Illumina Laboratory Services, Illumina
Classification: Benign for Oculotrichoanal syndrome. Last evaluated: 2018-01-13. Review status: criteria provided, single submitter. Criteria: ICSL Variant Classification Criteria 13 December 2019. Collection method: clinical testing. Allele origin: germline.
Comment: This variant was observed in the ICSL laboratory as part of a predisposition screen in an ostensibly healthy population. It had not been previously curated by ICSL or reported in the Human Gene Mutation Database (HGMD: prior to June 1st, 2018), and was therefore a candidate for classification through an automated scoring system. Utilizing variant allele frequency, disease prevalence and penetrance estimates, and inheritance mode, an automated score was calculated to assess if this variant is too frequent to cause the disease. Based on the score and internal cut-off values, a variant classified as benign is not then subjected to further curation. The score for this variant resulted in a classification of benign for this disease.

Eurofins Ntd Llc (ga)
Classification: Benign. Last evaluated: 2015-05-06. Review status: criteria provided, single submitter. Criteria: EGL Classification Definitions 2015. Collection method: clinical testing. Allele origin: germline. Observed: 1 variant allele, 1 heterozygote.

Breakthrough Genomics
Classification: Benign. Review status: criteria provided, single submitter. Criteria: ACMG Guidelines, 2015. Collection method: not provided. Allele origin: germline. Inheritance: Autosomal recessive inheritance. Affected: yes.

Dr. Peter K. Rogan Lab, Western University
No classification provided (evidence only). Condition: Thyroid cancer, nonmedullary, 1. Review status: no classification provided. Collection method: in vitro. Allele origin: not applicable. Functional consequence: retained intron. Not counted in ClinVar's aggregate classification.

Dr. Peter K. Rogan Lab, Western University
No classification provided (evidence only). Condition: Gastric cancer. Review status: no classification provided. Collection method: in vitro. Allele origin: not applicable. Functional consequence: retained intron. Not counted in ClinVar's aggregate classification.

Dr. Peter K. Rogan Lab, Western University
No classification provided (evidence only). Condition: Gastric cancer. Review status: no classification provided. Collection method: in vitro. Allele origin: not applicable. Functional consequence: retained intron. Not counted in ClinVar's aggregate classification.